The following is an entry in ClinVar:

ClinVar aggregate classification (germline): Benign (1 of 4 stars; one submission).

Conditions:
DICER1-related tumor predisposition. Also called: DICER1-related pleuropulmonary blastoma cancer predisposition syndrome; DICER1 syndrome. Identifiers: Orphanet 284343, MedGen C3839822, MONDO:0100216.

Allele frequency attached by ClinVar (database versions not stated): gnomAD exomes 0.00001; TOPMed 0.00003; gnomAD 0.00004 and 0.00005; 1000 Genomes Project 0.00040; 1000 Genomes Project 30x 0.00109.
gnomAD v4.1: 10 of 233,320 alleles (0.0043%); highest among the groups gnomAD compares: East Asian, 0.055%; no homozygotes.

Submission:

Illumina Laboratory Services, Illumina
Classification: Benign for Pleuropulmonary blastoma. Last evaluated: 2018-01-13. Review status: criteria provided, single submitter. Criteria: ICSL Variant Classification Criteria 13 December 2019. Collection method: clinical testing. Allele origin: germline.
Comment: This variant was observed in the ICSL laboratory as part of a predisposition screen in an ostensibly healthy population. It had not been previously curated by ICSL or reported in the Human Gene Mutation Database (HGMD: prior to June 1st, 2018), and was therefore a candidate for classification through an automated scoring system. Utilizing variant allele frequency, disease prevalence and penetrance estimates, and inheritance mode, an automated score was calculated to assess if this variant is too frequent to cause the disease. Based on the score and internal cut-off values, a variant classified as benign is not then subjected to further curation. The score for this variant resulted in a classification of benign for this disease.

NM_177438.3(DICER1):c.*3312G>T

Gene: DICER1 (dicer 1, ribonuclease III; minus strand). Cytogenetic location: 14q32.13.
Variant type: single nucleotide variant.
Coding change: c.*3312G>T on transcript NM_177438.3 (MANE Select); 3312 bases downstream of the stop codon, G replaced by T.
Molecular consequence: 3 prime UTR variant.
Genome position (GRCh38, 1-based): chr14:95,087,186, C>A on the plus strand (G>T on the coding strand, the complement: DICER1 is on the minus strand). VCF-style: chr14-95087186-C-A. GRCh37 (hg19) VCF-style: chr14-95553523-C-A.
Other names: c.*3428G>T (NM_001195573.1); c.*3312G>T (NM_001271282.3, NM_001291628.2, NM_030621.4).
Identifiers: ClinVar variation 315053 (VCV000315053.6), dbSNP rs180705469, ClinGen allele CA10646649.